The following is an entry in ClinVar:

ClinVar aggregate classification (germline): Uncertain significance (1 of 4 stars; one submission).

Conditions:
Hereditary cancer-predisposing syndrome. Also called: Neoplastic Syndromes, Hereditary; Tumor predisposition; Hereditary Cancer Syndrome; Hereditary neoplastic syndrome. Identifiers: Orphanet 140162, MedGen C0027672, MeSH D009386, MONDO:0015356.

Submission:

Ambry Genetics
Classification: Uncertain significance for Hereditary cancer-predisposing syndrome. Last evaluated: 2022-09-28. Review status: criteria provided, single submitter. Criteria: Ambry Variant Classification Scheme 2023. Collection method: clinical testing. Allele origin: germline.
Comment: The p.M546V variant (also known as c.1636A>G), located in coding exon 14 of the MRE11A gene, results from an A to G substitution at nucleotide position 1636. The methionine at codon 546 is replaced by valine, an amino acid with highly similar properties. This amino acid position is conserved. In addition, this alteration is predicted to be tolerated by in silico analysis. Since supporting evidence is limited at this time, the clinical significance of this alteration remains unclear.

NM_005591.4(MRE11):c.1636A>G (p.Met546Val)

Gene: MRE11 (MRE11 double strand break repair nuclease; minus strand). Cytogenetic location: 11q21.
Variant type: single nucleotide variant.
Coding change: c.1636A>G on transcript NM_005591.4 (MANE Select); coding-DNA position 1636, A replaced by G.
Protein change: p.Met546Val; replaces methionine 546 with valine.
Molecular consequence: missense variant.
Genome position (GRCh38, 1-based): chr11:94,447,366, T>C on the plus strand (A>G on the coding strand, the complement: MRE11 is on the minus strand). VCF-style: chr11-94447366-T-C. GRCh37 (hg19) VCF-style: chr11-94180532-T-C.
Other names: c.1636A>G, p.Met546Val (NM_001330347.2, NM_005590.4); short protein forms M546V.
Identifiers: ClinVar variation 1799970 (VCV001799970.2), dbSNP rs2496296326, ClinGen allele CA382368547.